The following is an entry in ClinVar:

NM_000417.3(IL2RA):c.617G>A (p.Arg206His)

Gene: IL2RA (interleukin 2 receptor subunit alpha; minus strand). Cytogenetic location: 10p15.1.
Variant type: single nucleotide variant.
Coding change: c.617G>A on transcript NM_000417.3 (MANE Select); coding-DNA position 617, G replaced by A.
Protein change: p.Arg206His; replaces arginine 206 with histidine.
Molecular consequence: missense variant. On other transcripts: intron variant (1).
Genome position (GRCh38, 1-based): chr10:6,019,908, C>T on the plus strand (G>A on the coding strand, the complement: IL2RA is on the minus strand). VCF-style: chr10-6019908-C-T. GRCh37 (hg19) VCF-style: chr10-6061871-C-T.
Other names: c.401G>A, p.Arg134His (NM_001308242.2); c.368-409G>A (NM_001308243.2); short protein forms R206H, R134H.
Identifiers: ClinVar variation 197666 (VCV000197666.12), dbSNP rs774136663, ClinGen allele CA245922.

ClinVar aggregate classification (germline): Uncertain significance. Review status: criteria provided, multiple submitters, no conflicts (2 of 4 stars). 2 submissions from 2 submitters: Uncertain significance (2). Last evaluated 2024-02-03.

Conditions:
Immunodeficiency due to CD25 deficiency. Also called: IMMUNODEFICIENCY 41 WITH LYMPHOPROLIFERATION AND AUTOIMMUNITY; CD25 DEFICIENCY; IL2RA DEFICIENCY. Identifiers: Orphanet 169100, MedGen C1853392, MONDO:0011664, OMIM 606367.

Allele frequency attached by ClinVar (database versions not stated): gnomAD 0.00001; TOPMed 0.00004.

Submissions (2):

Labcorp Genetics (formerly Invitae), Labcorp
Classification: Uncertain significance for Immunodeficiency due to CD25 deficiency. Last evaluated: 2024-02-03. Review status: criteria provided, single submitter. Criteria: Invitae Variant Classification Sherloc (09022015). Collection method: clinical testing. Allele origin: germline.
Comment: This sequence change replaces arginine, which is basic and polar, with histidine, which is basic and polar, at codon 206 of the IL2RA protein (p.Arg206His). This variant is present in population databases (rs774136663, gnomAD 0.003%). This variant has not been reported in the literature in individuals affected with IL2RA-related conditions. ClinVar contains an entry for this variant (Variation ID: 197666). Advanced modeling of protein sequence and biophysical properties (such as structural, functional, and spatial information, amino acid conservation, physicochemical variation, residue mobility, and thermodynamic stability) performed at Invitae indicates that this missense variant is not expected to disrupt IL2RA protein function with a negative predictive value of 80%. In summary, the available evidence is currently insufficient to determine the role of this variant in disease. Therefore, it has been classified as a Variant of Uncertain Significance.

Eurofins Ntd Llc (ga)
Classification: Uncertain significance. Last evaluated: 2015-05-26. Review status: criteria provided, single submitter. Criteria: EGL Classification Definitions 2015. Collection method: clinical testing. Allele origin: germline. Observed: 1 variant allele, 1 heterozygote.